The following is an entry in ClinVar:

ClinVar aggregate classification (germline): Uncertain significance (1 of 4 stars; one submission).

Allele frequency attached by ClinVar (database versions not stated): gnomAD exomes below 0.00001; gnomAD 0.00003; TOPMed 0.00003.

Submission:

GeneDx
Classification: Uncertain significance. Last evaluated: 2022-12-02. Review status: criteria provided, single submitter. Criteria: GeneDx Variant Classification Process June 2021. Collection method: clinical testing. Allele origin: germline. Affected: yes.
Comment: Not observed at significant frequency in large population cohorts (gnomAD); In silico analysis supports that this missense variant has a deleterious effect on protein structure/function; Has not been previously published as pathogenic or benign to our knowledge

NM_004817.4(TJP2):c.838C>T (p.Arg280Trp)

Gene: TJP2 (tight junction protein 2; plus strand). Cytogenetic location: 9q21.11.
Variant type: single nucleotide variant.
Coding change: c.838C>T on transcript NM_004817.4 (MANE Select); coding-DNA position 838, C replaced by T.
Protein change: p.Arg280Trp; replaces arginine 280 with tryptophan.
Molecular consequence: missense variant.
Genome position (GRCh38, 1-based): chr9:69,221,382, C>T. VCF-style: chr9-69221382-C-T. GRCh37 (hg19) VCF-style: chr9-71836298-C-T.
Other names: c.769C>T, p.Arg257Trp (NM_001170414.2, NM_001369870.1, NM_001369871.1); c.850C>T, p.Arg284Trp (NM_001170415.1, NM_001369874.1, NM_001369875.1); c.931C>T, p.Arg311Trp (NM_001170416.2); c.838C>T, p.Arg280Trp (NM_001369872.1, NM_001369873.1, NM_201629.3); short protein forms R257W, R280W, R284W, R311W.
Identifiers: ClinVar variation 2504313 (VCV002504313.1), dbSNP rs1275481228, ClinGen allele CA373529366.